The following is an entry in ClinVar:

NM_000183.3(HADHB):c.-43G>A

Gene: HADHB (hydroxyacyl-CoA dehydrogenase trifunctional multienzyme complex subunit beta; plus strand). Cytogenetic location: 2p23.3.
Variant type: single nucleotide variant.
Coding change: c.-43G>A on transcript NM_000183.3 (MANE Select); 43 bases upstream of the start codon, G replaced by A.
Molecular consequence: 5 prime UTR variant.
Genome position (GRCh38, 1-based): chr2:26,244,956, G>A. VCF-style: chr2-26244956-G-A. GRCh37 (hg19) VCF-style: chr2-26467824-G-A.
Other names: c.-43G>A (NM_001281512.2); c.-192G>A (NM_001281513.2).
Identifiers: ClinVar variation 515739 (VCV000515739.1), dbSNP rs761468805, ClinGen allele CA44363088.

ClinVar aggregate classification (germline): Likely benign (1 of 4 stars; one submission).

Allele frequency attached by ClinVar (database versions not stated): TOPMed 0.00004; gnomAD 0.00010.
gnomAD v4.1: 23 of 326,792 alleles (0.007%); highest among the groups gnomAD compares: Non-Finnish European, 0.013%; no homozygotes.

Submission:

GeneDx
Classification: Likely benign. Last evaluated: 2018-03-05. Review status: criteria provided, single submitter. Criteria: GeneDx Variant Classification (06012015). Collection method: clinical testing. Allele origin: germline. Affected: yes.
Comment: This variant is considered likely benign or benign based on one or more of the following criteria: it is a conservative change, it occurs at a poorly conserved position in the protein, it is predicted to be benign by multiple in silico algorithms, and/or has population frequency not consistent with disease.